The following is an entry in ClinVar:

ClinVar aggregate classification (germline): Uncertain significance. Review status: criteria provided, multiple submitters, no conflicts (2 of 4 stars). 3 submissions from 3 submitters: Uncertain significance (2). 1 of the submissions does not count toward it. Last evaluated 2022-02-02.

Conditions:
Lymphatic malformation 6 (LMPHM6). Also called: GENERALIZED LYMPHATIC DYSPLASIA OF FOTIOU; Lymphedema, hereditary, III; PIEZO1-related generalized lymphatic dysplasia with non-immune hydrops fetalis. Identifiers: Orphanet 568062, MedGen C4225184, MONDO:0014797, OMIM 616843.
PIEZO1-related disorder. Also called: PIEZO1-related condition; PIEZO1-Related Disorders.
Non-immune hydrops fetalis (NIHF). Also called: Idiopathic hydrops fetalis; Familial non-immune hydrops fetalis; Fetal edema. Identifiers: Orphanet 363999, MedGen C0455988, MONDO:0009369, OMIM 236750, HP:0001790.

Allele frequency attached by ClinVar (database versions not stated): gnomAD exomes 0.00001.
gnomAD v4.1: 10 of 1,549,160 alleles (0.00065%); highest among the groups gnomAD compares: East Asian, 0.0073%; no homozygotes.

Submissions (3):

Victorian Clinical Genetics Services, Murdoch Childrens Research Institute
Classification: Uncertain significance for Lymphatic malformation 6. Last evaluated: 2022-02-02. Review status: criteria provided, single submitter. Criteria: ACMG Guidelines, 2015. Collection method: clinical testing. Allele origin: germline. Inheritance: Autosomal recessive inheritance. Affected: yes.
Comment: Based on the classification scheme VCGS_Germline_v1.3.4, this variant is classified as VUS-3A. Following criteria are met: 0103 - Loss of function and gain of function are known mechanisms of disease in this gene and are associated with lymphatic malformation 6 (LMPHM6; MIM#616843), and dehydrated hereditary stomatocytosis with or without pseudohyperkalemia and/or perinatal edema (DHS; MIM#194380), respectively (OMIM). (I) 0108 - This gene is associated with both recessive and dominant disease. LMPHM6 has been reported in individuals with biallelic variants, while DHS has only been reported in individuals with heterozygous missense variants or inframe duplication variants with a gain of function mechanism (OMIM). (I) 0200 - Variant is predicted to result in a missense amino acid change from isoleucine to threonine. (I) 0251 - This variant is heterozygous. (I) 0304 - Variant is present in gnomAD (v2) <0.01 for a recessive condition (1 heterozygote, 0 homozygotes). (SP) 0502 - Missense variant with conflicting in silico predictions and uninformative conservation. (I) 0600 - Variant is located in the annotated Piezo R-Ras-binding domain (NCBI). (I) 0705 - No comparable missense variants have previous evidence for pathogenicity. (I) 0809 - Previous evidence of pathogenicity for this variant is inconclusive. This variant has been reported as a VUS, and observed in a compound heterozygous individual with non-immune hydrops fetalis and generalised lymphatic dysplasia (ClinVar, PMID: 33027564). This variant has also been found to be de novo in an individual with intellectual disability (PMID: 27479843). (I) 0905 - No published segregation evidence has been identified for this variant. (I) 1007 - No published functional evidence has been identified for this variant. (I) 1102 - Strong phenotype match for this individual. (SP) 1208 - Inheritance information for this variant is not currently available in this individual. (I) Legend: (SP) - Supporting pathogenic, (I) - Information, (SB) - Supporting benign

Genomic Medicine Lab, University of California San Francisco
Classification: Uncertain significance for Non-immune hydrops fetalis. Last evaluated: 2020-01-02. Review status: criteria provided, single submitter. Criteria: ACMG Guidelines, 2015. Collection method: clinical testing. Allele origin: maternal. Inheritance: Autosomal recessive inheritance. Affected: yes. Study: CSER-P3EGS.

PreventionGenetics, part of Exact Sciences
Classification: Uncertain significance for PIEZO1-related condition. Last evaluated: 2024-01-06. Review status: no assertion criteria provided. Collection method: clinical testing. Allele origin: germline. Not counted in ClinVar's aggregate classification.
Comment: The PIEZO1 c.6809T>C variant is predicted to result in the amino acid substitution p.Ile2270Thr. This variant was reported in the compound heterozygous state in a case of nonimmune hydrops fetalis (Sparks et al 2020. PubMed ID: 33027564). This variant is reported in 0.0017% of alleles in individuals of European (Non-Finnish) descent in gnomAD. At this time, the clinical significance of this variant is uncertain due to the absence of conclusive functional and genetic evidence.

Literature cited by the submitters: PubMed 27479843 (cited by Victorian Clinical Genetics Services, Murdoch Childrens Research Institute); PubMed 33027564 (cited by Victorian Clinical Genetics Services, Murdoch Childrens Research Institute).

NM_001142864.4(PIEZO1):c.6809T>C (p.Ile2270Thr)

Gene: PIEZO1 (piezo type mechanosensitive ion channel component 1 (Er blood group); minus strand). Cytogenetic location: 16q24.3.
Variant type: single nucleotide variant.
Coding change: c.6809T>C on transcript NM_001142864.4 (MANE Select); coding-DNA position 6809, T replaced by C.
Protein change: p.Ile2270Thr; replaces isoleucine 2270 with threonine.
Molecular consequence: missense variant.
Genome position (GRCh38, 1-based): chr16:88,716,676, A>G on the plus strand (T>C on the coding strand, the complement: PIEZO1 is on the minus strand). VCF-style: chr16-88716676-A-G. GRCh37 (hg19) VCF-style: chr16-88783084-A-G.
Other names: c.6809T>C (NM_001142864.3); short protein forms I2270T.
Identifiers: ClinVar variation 1065482 (VCV001065482.4), dbSNP rs765389770, ClinGen allele CA286406650.
Genomic context (GRCh38, chr16:88,716,676, plus strand): 5'-CGCTTCATCTGGGCACGGCTGGGGGGACTGATGCGCCACAGCGCCCCGGAGCTGCCCTCA[A>G]TCTGCGCCGTGACGATGTCCTCAGGGCTGTACTGGCTGATGAACTGCATGGCCAGCTGGG-3'
Protein context (NP_001136336.2, residues 2260-2280): YSPEDIVTAQ[Ile2270Thr]EGSSGALWRI